The following is an entry in ClinVar:

NM_000548.5(TSC2):c.3560_3567del (p.Val1187fs)

Gene: TSC2 (TSC complex subunit 2; plus strand). Cytogenetic location: 16p13.3.
Variant type: Deletion.
Coding change: c.3560_3567del on transcript NM_000548.5 (MANE Select); coding-DNA positions 3560 to 3567, 8 bases deleted (TGCCCCTG; older notation c.3560_3567delTGCCCCTG).
Protein change: p.Val1187fs; shifts the reading frame from valine 1187.
Molecular consequence: frameshift variant. On other transcripts: non-coding transcript variant (5).
Genome position (GRCh38, 1-based): chr16:2,080,327-2,080,334, TGCCCCTG deleted; deleting any 8 consecutive bases within chr16:2,080,325-2,080,334 gives the same sequence; the c. name uses the placement nearest the transcript's 3' end. VCF-style (leftmost placement, unchanged base first): chr16-2080324-ATGTGCCCC-A. GRCh37 (hg19) VCF-style: chr16-2130325-ATGTGCCCC-A.
Other names: c.3428_3435del, p.Val1143fs (NM_001077183.3, NM_001370404.1, NM_001406665.1); c.3560_3567del, p.Val1187fs (NM_001114382.3); c.3320_3327del, p.Val1107fs (NM_001318827.2); c.3284_3291del, p.Val1095fs (NM_001318829.2); c.2828_2835del, p.Val943fs (NM_001318831.2, NM_001406687.1, NM_001406688.1); c.3461_3468del, p.Val1154fs (NM_001318832.2); c.3431_3438del, p.Val1144fs (NM_001363528.2, NM_001370405.1, NM_021055.3); c.3557_3564del, p.Val1186fs (NM_001406663.1, NM_001406664.1); and 18 more; short protein forms V1137fs, V1187fs, V944fs, V1106fs, V1138fs, V1144fs, V1173fs, V695fs.
Identifiers: ClinVar variation 2739547 (VCV002739547.3), dbSNP rs2544102983, ClinGen allele CA2697549511.
Genomic context (GRCh38, chr16:2,080,324, plus strand): 5'-CTGAGAAGGCCTCAGCTGGCACCCGGGTTCCTGTGCAGGAGAAGACGAACCTGGCGGCCT[ATGTGCCCC>A]TGCTGACCCAGGGCTGGGCGGAGATCCTGGTCCGGAGGCCCACAGGTACTGGGCGGGGCT-3'

ClinVar aggregate classification (germline): Pathogenic (1 of 4 stars; one submission).

Conditions:
Tuberous sclerosis 2 (TSC2). Identifiers: Orphanet 805, MedGen C1860707, MONDO:0013199, OMIM 613254.

Submission:

Labcorp Genetics (formerly Invitae), Labcorp
Classification: Pathogenic for Tuberous sclerosis 2. Last evaluated: 2023-07-09. Review status: criteria provided, single submitter. Criteria: Invitae Variant Classification Sherloc (09022015). Collection method: clinical testing. Allele origin: germline.
Comment: For these reasons, this variant has been classified as Pathogenic. This variant has not been reported in the literature in individuals affected with TSC2-related conditions. This variant is not present in population databases (gnomAD no frequency). This sequence change creates a premature translational stop signal (p.Val1187Alafs*44) in the TSC2 gene. It is expected to result in an absent or disrupted protein product. Loss-of-function variants in TSC2 are known to be pathogenic (PMID: 10205261, 17304050).

Literature cited by the submitters: PubMed 10205261; PubMed 17304050.